The following is an entry in ClinVar:

ClinVar aggregate classification (germline): Uncertain significance (1 of 4 stars; one submission).

Conditions:
Charcot-Marie-Tooth disease recessive intermediate C. Also called: CHARCOT-MARIE-TOOTH NEUROPATHY, RECESSIVE INTERMEDIATE C. Identifiers: Orphanet 369867, MedGen C3809309, MONDO:0014154, OMIM 615376.
Neuronopathy, distal hereditary motor, autosomal recessive 4. Also called: NEUROPATHY, DISTAL HEREDITARY MOTOR, AUTOSOMAL RECESSIVE 4; Autosomal recessive lower motor neuron disease with childhood onset. Identifiers: Orphanet 206580, MedGen C1970211, MONDO:0012608, OMIM 611067.

Submission:

Labcorp Genetics (formerly Invitae), Labcorp
Classification: Uncertain significance for Neuronopathy, distal hereditary motor, autosomal recessive 4; Charcot-Marie-Tooth disease recessive intermediate C. Last evaluated: 2021-03-23. Review status: criteria provided, single submitter. Criteria: Invitae Variant Classification Sherloc (09022015). Collection method: clinical testing. Allele origin: germline.
Comment: This variant has not been reported in the literature in individuals with PLEKHG5-related conditions. In summary, the available evidence is currently insufficient to determine the role of this variant in disease. Therefore, it has been classified as a Variant of Uncertain Significance. Algorithms developed to predict the effect of missense changes on protein structure and function are either unavailable or do not agree on the potential impact of this missense change (SIFT: "Deleterious"; PolyPhen-2: "Probably Damaging"; Align-GVGD: "Class C0"). This variant is not present in population databases (ExAC no frequency). This sequence change replaces arginine with glycine at codon 583 of the PLEKHG5 protein (p.Arg583Gly). The arginine residue is highly conserved and there is a moderate physicochemical difference between arginine and glycine.

NM_020631.6(PLEKHG5):c.1747C>G (p.Arg583Gly)

Gene: PLEKHG5 (pleckstrin homology and RhoGEF domain containing G5; minus strand). Cytogenetic location: 1p36.31.
Variant type: single nucleotide variant.
Coding change: c.1747C>G on transcript NM_020631.6 (MANE Select); coding-DNA position 1747, C replaced by G.
Protein change: p.Arg583Gly; replaces arginine 583 with glycine.
Molecular consequence: missense variant.
Genome position (GRCh38, 1-based): chr1:6,470,289, G>C on the plus strand (C>G on the coding strand, the complement: PLEKHG5 is on the minus strand). VCF-style: chr1-6470289-G-C. GRCh37 (hg19) VCF-style: chr1-6530349-G-C.
Other names: c.1858C>G, p.Arg620Gly (NM_001042663.3, NM_001265592.2); c.1747C>G, p.Arg583Gly (NM_001042664.2, NM_001042665.2, NM_001265594.3 and 1 more transcripts); c.1954C>G, p.Arg652Gly (NM_001265593.2); short protein forms R620G, R652G, R583G.
Identifiers: ClinVar variation 1504581 (VCV001504581.8), dbSNP rs766560337, ClinGen allele CA338123328.
Genomic context (GRCh38, chr1:6,470,289, plus strand): 5'-GAATCACCTTGCTGTCCTTCCCCTCCTTCATCCTCAGGCTCCCCTCCAGCAGCAGCTGCC[G>C]CGTCTCCTCCGGGGAGGCGCCAGGGATGGGCGCTGTCAAGTCCAGGTGCAGAAATTCCTT-3'
Protein context (NP_065682.2, residues 573-593): PIPGASPEET[Arg583Gly]QLLLEGSLRM